The following is an entry in ClinVar:

NM_015978.3(TNNI3K):c.1047C>A (p.Tyr349Ter)

Genes: FPGT-TNNI3K (FPGT-TNNI3K readthrough; plus strand), TNNI3K (TNNI3 interacting kinase; plus strand). Cytogenetic location: 1p31.1.
Variant type: single nucleotide variant.
Coding change: c.1047C>A on transcript NM_015978.3 (MANE Select); coding-DNA position 1047, C replaced by A.
Protein change: p.Tyr349Ter; replaces tyrosine 349 with a stop codon.
Molecular consequence: nonsense.
Genome position (GRCh38, 1-based): chr1:74,353,999, C>A. VCF-style: chr1-74353999-C-A. GRCh37 (hg19) VCF-style: chr1-74819683-C-A.
Other names: c.1350C>A, p.Tyr450Ter (NM_001112808.3, NM_001199327.2); short protein forms Y450*, Y349*.
Identifiers: ClinVar variation 4706656 (VCV004706656.1).

ClinVar aggregate classification (germline): Uncertain significance (1 of 4 stars; one submission).

gnomAD v4.1: 3 of 1,613,748 alleles (0.00019%); highest among the groups gnomAD compares: African/African-American, 0.004%; no homozygotes.

Submission:

Labcorp Genetics (formerly Invitae), Labcorp
Classification: Uncertain significance. Last evaluated: 2025-09-14. Review status: criteria provided, single submitter. Criteria: Invitae Variant Classification Sherloc (09022015). Collection method: clinical testing. Allele origin: germline.
Comment: This sequence change creates a premature translational stop signal (p.Tyr349*) in the TNNI3K gene. It is expected to result in an absent or disrupted protein product. However, the current clinical and genetic evidence is not sufficient to establish whether loss-of-function variants in TNNI3K cause disease. This variant is not present in population databases (gnomAD no frequency). This variant has not been reported in the literature in individuals affected with TNNI3K-related conditions. In summary, the available evidence is currently insufficient to determine the role of this variant in disease. Therefore, it has been classified as a Variant of Uncertain Significance.